The following is an entry in ClinVar:

NM_007294.4(BRCA1):c.2608G>A (p.Ala870Thr)

Gene: BRCA1 (BRCA1 DNA repair associated; minus strand). Cytogenetic location: 17q21.31.
Variant type: single nucleotide variant.
Coding change: c.2608G>A on transcript NM_007294.4 (MANE Select); coding-DNA position 2608, G replaced by A.
Protein change: p.Ala870Thr; replaces alanine 870 with threonine.
Molecular consequence: missense variant. On other transcripts: intron variant (137).
Genome position (GRCh38, 1-based): chr17:43,092,923, C>T on the plus strand (G>A on the coding strand, the complement: BRCA1 is on the minus strand). VCF-style: chr17-43092923-C-T. GRCh37 (hg19) VCF-style: chr17-41244940-C-T.
Other names: c.2395G>A, p.Ala799Thr (NM_001407571.1, NM_001407853.1, NM_001407894.1 and 9 more transcripts); c.2608G>A, p.Ala870Thr (NM_001407581.1, NM_001407582.1, NM_001407583.1 and 30 more transcripts); c.2605G>A, p.Ala869Thr (NM_001407587.1, NM_001407590.1, NM_001407591.1 and 22 more transcripts); c.2599G>A, p.Ala867Thr (NM_001407646.1, NM_001407647.1); c.2485G>A, p.Ala829Thr (NM_001407648.1, NM_001407664.1, NM_001407665.1 and 19 more transcripts); c.2482G>A, p.Ala828Thr (NM_001407649.1, NM_001407670.1, NM_001407671.1 and 11 more transcripts); c.2530G>A, p.Ala844Thr (NM_001407653.1, NM_001407654.1, NM_001407655.1 and 4 more transcripts); c.2527G>A, p.Ala843Thr (NM_001407659.1, NM_001407660.1, NM_001407661.1 and 1 more transcripts); and 41 more; short protein forms A870T, A823T, A758T, A759T, A800T, A802T, A782T, A822T.
Identifiers: ClinVar variation 567191 (VCV000567191.17), dbSNP rs753256448, ClinGen allele CA058426.
Genomic context (GRCh38, chr17:43,092,923, plus strand): 5'-CAGAGTGGGCAGAGAATGTTGCACATTCCTCTTCTGCATTTCCTGGATTTGAAAACGGAG[C>T]AAATGACTGGCGCTTTGAAACCTTGAATGTATTCTGCAAATACTGAGCATCAAGTTCACT-3'
Protein context (NP_009225.1, residues 860-880): TFKVSKRQSF[Ala870Thr]PFSNPGNAEE

ClinVar aggregate classification (germline): Conflicting classifications of pathogenicity. Review status: criteria provided, conflicting classifications (1 of 4 stars). 3 submissions from 3 submitters: Uncertain significance (2); Likely benign (1). Last evaluated 2025-05-13.

Conditions:
Hereditary cancer-predisposing syndrome. Also called: Neoplastic Syndromes, Hereditary; Tumor predisposition; Hereditary neoplastic syndrome; Hereditary Cancer Syndrome. Identifiers: Orphanet 140162, MedGen C0027672, MeSH D009386, MONDO:0015356.
Hereditary breast ovarian cancer syndrome. Also called: Hereditary breast and ovarian cancer syndrome (HBOC); Hereditary breast and ovarian cancer; Hereditary breast and/or ovarian cancer syndrome; Hereditary breast and ovarian cancer syndrome; Breast and ovarian cancer; BRCA1- and BRCA2-Associated Hereditary Breast and Ovarian Cancer. Identifiers: Orphanet 145, MedGen C0677776, MeSH D061325, MONDO:0003582. Disease mechanism: loss of function.

Allele frequency attached by ClinVar (database versions not stated): gnomAD exomes below 0.00001; ExAC 0.00001.

Submissions (3):

Labcorp Genetics (formerly Invitae), Labcorp
Classification: Uncertain significance for Hereditary breast ovarian cancer syndrome. Last evaluated: 2025-05-13. Review status: criteria provided, single submitter. Criteria: Invitae Variant Classification Sherloc (09022015). Collection method: clinical testing. Allele origin: germline.
Comment: This sequence change replaces alanine, which is neutral and non-polar, with threonine, which is neutral and polar, at codon 870 of the BRCA1 protein (p.Ala870Thr). This variant is present in population databases (rs753256448, gnomAD 0.0009%). This variant has not been reported in the literature in individuals affected with BRCA1-related conditions. ClinVar contains an entry for this variant (Variation ID: 567191). Invitae Evidence Modeling of protein sequence and biophysical properties (such as structural, functional, and spatial information, amino acid conservation, physicochemical variation, residue mobility, and thermodynamic stability) indicates that this missense variant is not expected to disrupt BRCA1 protein function with a negative predictive value of 80%. In summary, the available evidence is currently insufficient to determine the role of this variant in disease. Therefore, it has been classified as a Variant of Uncertain Significance.

Ambry Genetics
Classification: Uncertain significance for Hereditary cancer-predisposing syndrome. Last evaluated: 2024-07-10. Review status: criteria provided, single submitter. Criteria: Ambry Variant Classification Scheme 2023. Collection method: clinical testing. Allele origin: germline.
Comment: The p.A870T variant (also known as c.2608G>A), located in coding exon 9 of the BRCA1 gene, results from a G to A substitution at nucleotide position 2608. The alanine at codon 870 is replaced by threonine, an amino acid with similar properties. This amino acid position is well conserved in available vertebrate species. In addition, the in silico prediction for this alteration is inconclusive. Based on the available evidence, the clinical significance of this variant remains unclear.

University of Washington Department of Laboratory Medicine, University of Washington
Classification: Likely benign for Hereditary cancer-predisposing syndrome. Last evaluated: 2023-03-23. Review status: criteria provided, single submitter. Criteria: Dines et al. (Genet Med. 2020). Collection method: curation. Allele origin: germline.
Comment: Missense variant in a coldspot region where missense variants are very unlikely to be pathogenic (PMID:31911673).

BRCA1 coldspot (exon 11 using historical exon numbering). Reclassification based on statistical prior probability